The following is an entry in ClinVar:

NM_001164665.2(KIAA1549):c.4427dup (p.Glu1477fs)

Gene: KIAA1549 (KIAA1549; minus strand). Cytogenetic location: 7q34.
Variant type: Duplication.
Coding change: c.4427dup on transcript NM_001164665.2 (MANE Select); coding-DNA position 4427, one base duplicated (C; older notation c.4427dupC).
Protein change: p.Glu1477fs; shifts the reading frame from glutamic acid 1477.
Molecular consequence: frameshift variant.
Genome position (GRCh38, 1-based): chr7:138,871,281, G duplicated on the plus strand (C on the coding strand, the reverse complement: KIAA1549 is on the minus strand); the first of 6 consecutive G bases (chr7:138,871,281-138,871,286); duplicating any one gives the same sequence. VCF-style (leftmost placement, unchanged base first): chr7-138871280-C-CG. GRCh37 (hg19) VCF-style: chr7-138556026-C-CG.
Other names: c.4427dup, p.Glu1477fs (NM_020910.3); short protein forms E1477fs.
Identifiers: ClinVar variation 1518383 (VCV001518383.6), dbSNP rs752867430, ClinGen allele CA4505902.

ClinVar aggregate classification (germline): Uncertain significance (1 of 4 stars; one submission).

Submission:

Labcorp Genetics (formerly Invitae), Labcorp
Classification: Uncertain significance. Last evaluated: 2023-08-24. Review status: criteria provided, single submitter. Criteria: Invitae Variant Classification Sherloc (09022015). Collection method: clinical testing. Allele origin: germline.
Comment: This variant has not been reported in the literature in individuals affected with KIAA1549-related conditions. The frequency data for this variant in the population databases is considered unreliable, as metrics indicate poor data quality at this position in the gnomAD database. This sequence change creates a premature translational stop signal (p.Glu1477Glyfs*3) in the KIAA1549 gene. It is expected to result in an absent or disrupted protein product. However, the current clinical and genetic evidence is not sufficient to establish whether loss-of-function variants in KIAA1549 cause disease. In summary, the available evidence is currently insufficient to determine the role of this variant in disease. Therefore, it has been classified as a Variant of Uncertain Significance.